The following is an entry in ClinVar:

ClinVar aggregate classification (germline): Uncertain significance (1 of 4 stars; one submission).

Allele frequency attached by ClinVar (database versions not stated): gnomAD exomes below 0.00001; gnomAD 0.00001.
gnomAD v4.1: 3 of 1,613,846 alleles (0.00019%); highest among the groups gnomAD compares: Admixed American, 0.005%; no homozygotes.

Submission:

Labcorp Genetics (formerly Invitae), Labcorp
Classification: Uncertain significance. Last evaluated: 2024-01-04. Review status: criteria provided, single submitter. Criteria: Invitae Variant Classification Sherloc (09022015). Collection method: clinical testing. Allele origin: germline.
Comment: This sequence change replaces alanine, which is neutral and non-polar, with threonine, which is neutral and polar, at codon 802 of the DNA2 protein (p.Ala802Thr). This variant is present in population databases (no rsID available, gnomAD 0.009%). This variant has not been reported in the literature in individuals affected with DNA2-related conditions. An algorithm developed to predict the effect of missense changes on protein structure and function (PolyPhen-2) suggests that this variant is likely to be tolerated. In summary, the available evidence is currently insufficient to determine the role of this variant in disease. Therefore, it has been classified as a Variant of Uncertain Significance.

NM_001080449.3(DNA2):c.2404G>A (p.Ala802Thr)

Gene: DNA2 (DNA replication helicase/nuclease 2; minus strand). Cytogenetic location: 10q21.3.
Variant type: single nucleotide variant.
Coding change: c.2404G>A on transcript NM_001080449.3 (MANE Select); coding-DNA position 2404, G replaced by A.
Protein change: p.Ala802Thr; replaces alanine 802 with threonine.
Molecular consequence: missense variant. On other transcripts: non-coding transcript variant (1).
Genome position (GRCh38, 1-based): chr10:68,422,603, C>T on the plus strand (G>A on the coding strand, the complement: DNA2 is on the minus strand). VCF-style: chr10-68422603-C-T. GRCh37 (hg19) VCF-style: chr10-70182360-C-T.
Other names: short protein forms A802T.
Identifiers: ClinVar variation 2963269 (VCV002963269.3), dbSNP rs1205522976, ClinGen allele CA376847903.